The following is an entry in ClinVar:

NM_000051.4(ATM):c.2638+18A>G

Gene: ATM (ATM serine/threonine kinase; plus strand). Cytogenetic location: 11q22.3.
Variant type: single nucleotide variant.
Coding change: c.2638+18A>G on transcript NM_000051.4 (MANE Select); 18 bases into the intron after coding-DNA position 2638, A replaced by G.
Molecular consequence: intron variant.
Genome position (GRCh38, 1-based): chr11:108,267,360, A>G. VCF-style: chr11-108267360-A-G. GRCh37 (hg19) VCF-style: chr11-108138087-A-G.
Other names: c.2638+18A>G (NM_001351834.2).
Identifiers: ClinVar variation 383805 (VCV000383805.5), dbSNP rs1057521739, ClinGen allele CA16606789.
Genomic context (GRCh38, chr11:108,267,360, plus strand): 5'-GTTAGTGATGCAAACGAACCTGGAGAGAGCCAAAGTACCATAGGTAAATACATATTTACT[A>G]CTTGGGATTTCTTTTACTTCTTTATATTGATTTGGCAGTATAAGAGGCCTCATTGATATC-3'

ClinVar aggregate classification (germline): Likely benign. Review status: criteria provided, multiple submitters, no conflicts (2 of 4 stars). 2 submissions from 2 submitters: Likely benign (2). Last evaluated 2025-02-25.

Conditions:
Ataxia-telangiectasia syndrome (AT). Also called: AT, COMPLEMENTATION GROUP C; ATAXIA-TELANGIECTASIA, COMPLEMENTATION GROUP A; ATAXIA-TELANGIECTASIA, FRESNO VARIANT; LOUIS-BAR SYNDROME; Ataxia-telangiectasia; Cerebello-oculocutaneous telangiectasia. Identifiers: Orphanet 100, MedGen C0004135, MONDO:0008840, OMIM 208900.

gnomAD v4.1: 1 of 1,611,662 alleles (0.000062%); highest among the groups gnomAD compares: Non-Finnish European, 0.000085%; no homozygotes.

Submissions (2):

Labcorp Genetics (formerly Invitae), Labcorp
Classification: Likely benign for Ataxia-telangiectasia syndrome. Last evaluated: 2025-02-25. Review status: criteria provided, single submitter. Criteria: Invitae Variant Classification Sherloc (09022015). Collection method: clinical testing. Allele origin: germline.

GeneDx
Classification: Likely benign. Last evaluated: 2016-02-09. Review status: criteria provided, single submitter. Criteria: GeneDx Variant Classification (06012015). Collection method: clinical testing. Allele origin: germline. Affected: yes.
Comment: This variant is considered likely benign or benign based on one or more of the following criteria: it is a conservative change, it occurs at a poorly conserved position in the protein, it is predicted to be benign by multiple in silico algorithms, and/or has population frequency not consistent with disease.